The following is an entry in ClinVar:

NM_005918.4(MDH2):c.556-1G>C

Gene: MDH2 (malate dehydrogenase 2; plus strand). Cytogenetic location: 7q11.23.
Variant type: single nucleotide variant.
Coding change: c.556-1G>C on transcript NM_005918.4 (MANE Select); the canonical splice acceptor site of the intron before coding-DNA position 556, G replaced by C.
Molecular consequence: splice acceptor variant.
Genome position (GRCh38, 1-based): chr7:76,063,514, G>C. VCF-style: chr7-76063514-G-C. GRCh37 (hg19) VCF-style: chr7-75692832-G-C.
Other names: c.430-1G>C (NM_001282403.2); c.235-1G>C (NM_001282404.2).
Identifiers: ClinVar variation 2230990 (VCV002230990.2), dbSNP rs2535869499, ClinGen allele CA367766500.
Genomic context (GRCh38, chr7:76,063,514, plus strand): 5'-GTGACATGTTTTACAGTGAAAGAGCTTGTTAACTCATCCAGCTTCATACTTTGGTCACCA[G>C]GGTTTGGATCCAGCTCGAGTCAACGTCCCTGTCATTGGTGGCCATGCTGGGAAGACCATC-3'

ClinVar aggregate classification (germline): Likely pathogenic (1 of 4 stars; one submission).

Conditions:
Inborn genetic diseases. Identifiers: MedGen C0950123, MeSH D030342.

Submission:

Ambry Genetics
Classification: Likely pathogenic for Inborn genetic diseases. Last evaluated: 2021-06-29. Review status: criteria provided, single submitter. Criteria: Ambry Variant Classification Scheme 2023. Collection method: clinical testing. Allele origin: germline.
Comment: The c.556-1G>C intronic variant results from a G to C substitution one nucleotide before coding exon 6 of the MDH2 gene. Alterations that disrupt the canonical splice site are expected to result in aberrant splicing. The resulting transcript is predicted to be in-frame and is not expected to trigger nonsense-mediated mRNA decay; however, direct evidence is unavailable. The exact functional effect of the altered amino acid sequence is unknown; however, the impacted region is critical for protein function (Ambry internal data). Based on data from the Genome Aggregation Database (gnomAD), the MDH2 c.556-1G>C alteration was not observed, with coverage at this position. In silico splice site analysis predicts that this alteration will weaken the native splice acceptor site and will result in the creation or strengthening of a novel splice acceptor site. Based on the available evidence, this alteration is classified as likely pathogenic.